The following is an entry in ClinVar:

NM_080732.4(EGLN2):c.771G>T (p.Met257Ile)

Genes: EGLN2 (egl-9 family hypoxia inducible factor 2; plus strand), RAB4B-EGLN2 (RAB4B-EGLN2 readthrough (NMD candidate); plus strand). Cytogenetic location: 19q13.2.
Variant type: single nucleotide variant.
Coding change: c.771G>T on transcript NM_080732.4 (MANE Select); coding-DNA position 771, G replaced by T.
Protein change: p.Met257Ile; replaces methionine 257 with isoleucine.
Molecular consequence: missense variant. On other transcripts: non-coding transcript variant (1).
Genome position (GRCh38, 1-based): chr19:40,801,343, G>T. VCF-style: chr19-40801343-G-T. GRCh37 (hg19) VCF-style: chr19-41307248-G-T.
Other names: c.771G>T, p.Met257Ile (NM_053046.4); short protein forms M257I.
Identifiers: ClinVar variation 3507290 (VCV003507290.1).

ClinVar aggregate classification (germline): Uncertain significance (1 of 4 stars; one submission).

Submission:

Ambry Genetics
Classification: Uncertain significance. Last evaluated: 2024-09-30. Review status: criteria provided, single submitter. Criteria: Ambry Variant Classification Scheme 2023. Collection method: clinical testing. Allele origin: germline.
Comment: The p.M257I variant (also known as c.771G>T), located in coding exon 1 of the EGLN2 gene, results from a G to T substitution at nucleotide position 771. The methionine at codon 257 is replaced by isoleucine, an amino acid with highly similar properties. This amino acid position is conserved. In addition, this alteration is predicted to be deleterious by in silico analysis. Based on the available evidence, the clinical significance of this variant remains unclear.